The following is an entry in ClinVar:

NM_001199107.2(TBC1D24):c.1278G>A (p.Gly426=)

Gene: TBC1D24 (TBC1 domain family member 24; plus strand). Cytogenetic location: 16p13.3.
Variant type: single nucleotide variant.
Coding change: c.1278G>A on transcript NM_001199107.2 (MANE Select); coding-DNA position 1278, G replaced by A.
Protein change: p.Gly426=; no amino-acid change (glycine 426 retained).
Molecular consequence: synonymous variant.
Genome position (GRCh38, 1-based): chr16:2,499,906, G>A. VCF-style: chr16-2499906-G-A. GRCh37 (hg19) VCF-style: chr16-2549907-G-A.
Other names: c.1260G>A, p.Gly420= (NM_020705.3).
Identifiers: ClinVar variation 668461 (VCV000668461.10), dbSNP rs377748101, ClinGen allele CA7844232.

ClinVar aggregate classification (germline): Likely benign. Review status: criteria provided, multiple submitters, no conflicts (2 of 4 stars). 3 submissions from 3 submitters: Likely benign (3). Last evaluated 2025-12-02.

Conditions:
Autosomal dominant nonsyndromic hearing loss 65. Also called: Deafness, autosomal dominant 65; TBC1D24-Related Autosomal Dominant Nonsyndromic Hearing Loss (DFNA). Identifiers: Orphanet 90635, MedGen C3892048, MONDO:0014470, OMIM 616044.
Developmental and epileptic encephalopathy, 1 (DEE1). Also called: Epileptic encephalopathy, early infantile, 1; X-linked infantile spasms; West's syndrome; Tonic spasms with clustering, arrest of psychomotor development and hypsarrhythmia on EEG; X-Linked Infantile Spasm Syndrome; OHTAHARA SYNDROME, X-LINKED. Identifiers: MedGen C3463992, MONDO:0010632, OMIM 308350. Disease mechanism: loss of function.

Allele frequency attached by ClinVar (database versions not stated): ESP Exome Variant Server 0.00008; ExAC 0.00002; gnomAD exomes below 0.00001 and 0.00001; TOPMed below 0.00001.

Submissions (3):

Women's Health and Genetics/Laboratory Corporation of America, LabCorp
Classification: Likely benign. Last evaluated: 2025-12-02. Review status: criteria provided, single submitter. Criteria: LabCorp Variant Classification Summary - May 2015. Collection method: clinical testing. Allele origin: germline.

Labcorp Genetics (formerly Invitae), Labcorp
Classification: Likely benign for Developmental and epileptic encephalopathy, 1; Autosomal dominant nonsyndromic hearing loss 65. Last evaluated: 2024-02-23. Review status: criteria provided, single submitter. Criteria: Invitae Variant Classification Sherloc (09022015). Collection method: clinical testing. Allele origin: germline.

GeneDx
Classification: Likely benign. Last evaluated: 2018-05-17. Review status: criteria provided, single submitter. Criteria: GeneDx Variant Classification (06012015). Collection method: clinical testing. Allele origin: germline. Affected: yes.
Comment: This variant is considered likely benign or benign based on one or more of the following criteria: it is a conservative change, it occurs at a poorly conserved position in the protein, it is predicted to be benign by multiple in silico algorithms, and/or has population frequency not consistent with disease.